The following is an entry in ClinVar:

NM_001386298.1(CIC):c.2322_2323del (p.Arg775fs)

Gene: CIC (capicua transcriptional repressor; plus strand). Cytogenetic location: 19q13.2.
Variant type: Microsatellite.
Coding change: c.2322_2323del on transcript NM_001386298.1 (MANE Select); coding-DNA positions 2322 to 2323, 2 bases deleted (TC; older notation c.2322_2323delTC).
Protein change: p.Arg775fs; shifts the reading frame from arginine 775.
Molecular consequence: frameshift variant.
Genome position (GRCh38, 1-based): chr19:42,274,105-42,274,106, TC deleted; deleting any 2 consecutive bases within chr19:42,274,101-42,274,106 gives the same sequence; the c. name uses the placement nearest the transcript's 3' end. VCF-style (leftmost placement, unchanged base first): chr19-42274100-TTC-T. GRCh37 (hg19) VCF-style: chr19-42778252-TTC-T.
Other names: c.2322_2323del, p.Arg775fs (NM_001304815.2, NM_001379480.1, NM_001379482.1); c.2318_2319TC[2], p.Arg775Leufs (NM_001379483.1); short protein forms R775fs.
Identifiers: ClinVar variation 3234056 (VCV003234056.1), dbSNP rs1568487734, ClinGen allele CA920112915.

ClinVar aggregate classification (germline): Pathogenic (1 of 4 stars; one submission).

Conditions:
Intellectual developmental disorder, autosomal dominant 45. Also called: MENTAL RETARDATION, AUTOSOMAL DOMINANT 45; Intellectual disability, autosomal dominant 45. Identifiers: MedGen C4539848, MONDO:0030910, OMIM 617600.

Submission:

MVZ Medizinische Genetik Mainz
Classification: Pathogenic for Intellectual developmental disorder, autosomal dominant 45. Last evaluated: 2023-03-10. Review status: criteria provided, single submitter. Criteria: UK Practice Guidelines For Variant Classification V4 01 2020. Collection method: clinical testing. Allele origin: germline. Inheritance: Autosomal dominant inheritance. Affected: yes. Observed: 1 variant allele.
Comment: ACMG Criteria: PVS1, PM2_SUP, PM6 (ACMG Version 4)